The following is an entry in ClinVar:

NM_000642.3(AGL):c.663del (p.Ala222fs)

Gene: AGL (amylo-alpha-1,6-glucosidase and 4-alpha-glucanotransferase; plus strand). Cytogenetic location: 1p21.2.
Variant type: Deletion.
Coding change: c.663del on transcript NM_000642.3 (MANE Select); coding-DNA position 663, one base deleted (T; older notation c.663delT).
Protein change: p.Ala222fs; shifts the reading frame from alanine 222.
Molecular consequence: frameshift variant. On other transcripts: intron variant (2).
Genome position (GRCh38, 1-based): chr1:99,864,588, T deleted. VCF-style (leftmost placement, unchanged base first): chr1-99864587-CT-C. GRCh37 (hg19) VCF-style: chr1-100330143-CT-C.
Other names: c.663del, p.Ala222fs (NM_000028.3, NM_000643.3, NM_000644.3 and 3 more transcripts); c.615del, p.Ala206fs (NM_000646.3); c.285del, p.Ala96fs (NM_001425332.1); c.460+2165del (NM_001425328.1, NM_001425329.1); short protein forms A206fs, A222fs, A96fs.
Identifiers: ClinVar variation 4067964 (VCV004067964.2).
Genomic context (GRCh38, chr1:99,864,587, plus strand): 5'-TGGAAAAATTAAAAAAGGAATGGAATGTTATTTGTATTACTGATGTTGTCTACAATCATA[CT>C]GGTATGAGCTTCATTGACTGCCTTCATTAATTTTGATGAGAATTTATGCACACACACATA-3'

ClinVar aggregate classification (germline): Likely pathogenic (1 of 4 stars; one submission).

Conditions:
Glycogen storage disease type III (GSD3). Also called: Cori disease; FORBES DISEASE. Identifiers: Orphanet 366, MedGen C0017922, MONDO:0009291, OMIM 232400.

Submission:

Natera, Inc.
Classification: Likely pathogenic for Glycogen storage disease type III. Last evaluated: 2025-04-19. Review status: criteria provided, single submitter. Criteria: Natera Variant Classification Schema (03/2026). Collection method: clinical testing. Allele origin: germline.
Comment: The c.663del variant in AGL is a frameshift variant predicted to shift the reading frame beginning at codon 222 and leads to a stop codon 18 codons downstream. This variant is expected to result in nonsense mediated decay, truncation, or a dysfunctional protein product. This variant is rare in the general population with a frequency below the threshold expected for the associated phenotype(s). Given the available evidence, this variant is classified as Likely Pathogenic.